The following is an entry in ClinVar:

NM_001131016.2(CIZ1):c.2337G>A (p.Ser779=)

Gene: CIZ1 (CDKN1A interacting zinc finger protein 1; minus strand). Cytogenetic location: 9q34.11.
Variant type: single nucleotide variant.
Coding change: c.2337G>A on transcript NM_001131016.2 (MANE Select); coding-DNA position 2337, G replaced by A.
Protein change: p.Ser779=; no amino-acid change (serine 779 retained).
Molecular consequence: synonymous variant.
Genome position (GRCh38, 1-based): chr9:128,167,123, C>T on the plus strand (G>A on the coding strand, the complement: CIZ1 is on the minus strand). VCF-style: chr9-128167123-C-T. GRCh37 (hg19) VCF-style: chr9-130929402-C-T.
Other names: c.2169G>A, p.Ser723= (NM_001131015.2); c.2154G>A, p.Ser718= (NM_001131017.2); c.2097G>A, p.Ser699= (NM_001131018.2); c.2505G>A, p.Ser835= (NM_001257975.2); c.2034G>A, p.Ser678= (NM_001257976.2); c.2337G>A, p.Ser779= (NM_012127.3).
Identifiers: ClinVar variation 2712926 (VCV002712926.3), dbSNP rs756753256, ClinGen allele CA5257034.

ClinVar aggregate classification (germline): Uncertain significance (1 of 4 stars; one submission).

Conditions:
Dystonic disorder. Also called: Dystonia. Identifiers: MedGen C0013421, MONDO:0003441, HP:0001332.

Allele frequency attached by ClinVar (database versions not stated): ExAC 0.00003; TOPMed 0.00004; gnomAD 0.00005.
gnomAD v4.1: 24 of 1,602,658 alleles (0.0015%); highest among the groups gnomAD compares: Admixed American, 0.0068%; no homozygotes.

Submission:

Labcorp Genetics (formerly Invitae), Labcorp
Classification: Uncertain significance for Dystonic disorder. Last evaluated: 2023-10-03. Review status: criteria provided, single submitter. Criteria: Invitae Variant Classification Sherloc (09022015). Collection method: clinical testing. Allele origin: germline.
Comment: This sequence change affects codon 779 of the CIZ1 mRNA. It is a 'silent' change, meaning that it does not change the encoded amino acid sequence of the CIZ1 protein. This variant is present in population databases (rs756753256, gnomAD 0.006%). This variant has not been reported in the literature in individuals affected with CIZ1-related conditions. Algorithms developed to predict the effect of sequence changes on RNA splicing suggest that this variant may disrupt the consensus splice site. In summary, the available evidence is currently insufficient to determine the role of this variant in disease. Therefore, it has been classified as a Variant of Uncertain Significance.